The following is an entry in ClinVar:

NM_014633.5(CTR9):c.1474T>C (p.Tyr492His)

Genes: CTR9 (CTR9 component of Paf1/RNA polymerase II complex; plus strand), LOC126861140 (CDK7 strongly-dependent group 2 enhancer GRCh37_chr11:10785333-10786532; plus strand). Cytogenetic location: 11p15.4.
Variant type: single nucleotide variant.
Coding change: c.1474T>C on transcript NM_014633.5 (MANE Select); coding-DNA position 1474, T replaced by C.
Protein change: p.Tyr492His; replaces tyrosine 492 with histidine.
Molecular consequence: missense variant.
Genome position (GRCh38, 1-based): chr11:10,764,608, T>C. VCF-style: chr11-10764608-T-C. GRCh37 (hg19) VCF-style: chr11-10786155-T-C.
Other names: c.1474T>C, p.Tyr492His (NM_001346279.2); short protein forms Y492H.
Identifiers: ClinVar variation 2862614 (VCV002862614.3), dbSNP rs2539380665, ClinGen allele CA379667968.

ClinVar aggregate classification (germline): Uncertain significance (1 of 4 stars; one submission).

Submission:

Labcorp Genetics (formerly Invitae), Labcorp
Classification: Uncertain significance. Last evaluated: 2023-05-08. Review status: criteria provided, single submitter. Criteria: Invitae Variant Classification Sherloc (09022015). Collection method: clinical testing. Allele origin: germline.
Comment: An algorithm developed to predict the effect of missense changes on protein structure and function (PolyPhen-2) suggests that this variant is likely to be disruptive. In summary, the available evidence is currently insufficient to determine the role of this variant in disease. Therefore, it has been classified as a Variant of Uncertain Significance. This variant has not been reported in the literature in individuals affected with CTR9-related conditions. This variant is not present in population databases (gnomAD no frequency). This sequence change replaces tyrosine, which is neutral and polar, with histidine, which is basic and polar, at codon 492 of the CTR9 protein (p.Tyr492His).